The following is an entry in ClinVar:

NM_000535.7(PMS2):c.713G>A (p.Ser238Asn)

Gene: PMS2 (PMS1 homolog 2, mismatch repair system component; minus strand). Cytogenetic location: 7p22.1.
Variant type: single nucleotide variant.
Coding change: c.713G>A on transcript NM_000535.7 (MANE Select); coding-DNA position 713, G replaced by A.
Protein change: p.Ser238Asn; replaces serine 238 with asparagine.
Molecular consequence: missense variant. On other transcripts: 5 prime UTR variant (2), non-coding transcript variant (1).
Genome position (GRCh38, 1-based): chr7:5,997,416, C>T on the plus strand (G>A on the coding strand, the complement: PMS2 is on the minus strand). VCF-style: chr7-5997416-C-T. GRCh37 (hg19) VCF-style: chr7-6037047-C-T.
Other names: c.308G>A, p.Ser103Asn (NM_001322003.2, NM_001322004.2, NM_001322005.2 and 2 more transcripts); c.713G>A, p.Ser238Asn (NM_001322006.2, NM_001322014.2); c.395G>A, p.Ser132Asn (NM_001322007.2, NM_001322008.2); c.-221G>A (NM_001322011.2, NM_001322012.2); c.140G>A, p.Ser47Asn (NM_001322013.2); c.404G>A, p.Ser135Asn (NM_001322015.2); short protein forms S238N, S103N, S135N, S132N, S47N.
Identifiers: ClinVar variation 411017 (VCV000411017.26), dbSNP rs1060503111, ClinGen allele CA16612276.

ClinVar aggregate classification (germline): Conflicting classifications of pathogenicity. Review status: criteria provided, conflicting classifications (1 of 4 stars). 7 submissions from 7 submitters: Uncertain significance (6); Likely benign (1). Last evaluated 2025-08-08.

Conditions:
Lynch syndrome. Identifiers: Orphanet 144, MedGen C4552100, MONDO:0005835. Disease mechanism: loss of function.
Hereditary cancer-predisposing syndrome. Also called: Tumor predisposition; Hereditary Cancer Syndrome; Hereditary neoplastic syndrome; Neoplastic Syndromes, Hereditary. Identifiers: Orphanet 140162, MedGen C0027672, MeSH D009386, MONDO:0015356.
Hereditary nonpolyposis colorectal neoplasms. Identifiers: MedGen C0009405, MeSH D003123.
Lynch syndrome 4 (LYNCH4). Also called: Colorectal cancer, hereditary nonpolyposis, type 4; Hereditary non-polyposis colorectal cancer, type 4. Identifiers: Orphanet 144, MedGen C1838333, MONDO:0013699, OMIM 614337. Disease mechanism: loss of function.

Allele frequency attached by ClinVar (database versions not stated): gnomAD exomes below 0.00001; gnomAD 0.00001; TOPMed 0.00001.
gnomAD v4.1: 4 of 1,520,850 alleles (0.00026%); highest among the groups gnomAD compares: East Asian, 0.0023%; no homozygotes.

Submissions (7):

GeneDx
Classification: Uncertain significance. Last evaluated: 2025-08-08. Review status: criteria provided, single submitter. Criteria: GeneDx Variant Classification Process June 2021. Collection method: clinical testing. Allele origin: germline. Affected: yes.
Comment: Not observed at significant frequency in large population cohorts (gnomAD); In silico analysis suggests that this missense variant does not alter protein structure/function; This variant is associated with the following publications: (PMID: 11574484, 36243179, 35449176)

Ambry Genetics
Classification: Uncertain significance for Hereditary cancer-predisposing syndrome. Last evaluated: 2024-09-17. Review status: criteria provided, single submitter. Criteria: Ambry Variant Classification Scheme 2023. Collection method: clinical testing. Allele origin: germline.
Comment: The p.S238N variant (also known as c.713G>A), located in coding exon 7 of the PMS2 gene, results from a G to A substitution at nucleotide position 713. The serine at codon 238 is replaced by asparagine, an amino acid with highly similar properties. This amino acid position is highly conserved in available vertebrate species. In addition, this alteration is predicted to be tolerated by in silico analysis. Based on the available evidence, the clinical significance of this variant remains unclear.

Labcorp Genetics (formerly Invitae), Labcorp
Classification: Uncertain significance for Hereditary nonpolyposis colorectal neoplasms. Last evaluated: 2024-07-06. Review status: criteria provided, single submitter. Criteria: Invitae Variant Classification Sherloc (09022015). Collection method: clinical testing. Allele origin: germline.
Comment: This sequence change replaces serine, which is neutral and polar, with asparagine, which is neutral and polar, at codon 238 of the PMS2 protein (p.Ser238Asn). This variant is present in population databases (no rsID available, gnomAD 0.004%). This missense change has been observed in individual(s) with breast cancer (PMID: 35449176). ClinVar contains an entry for this variant (Variation ID: 411017). Advanced modeling of protein sequence and biophysical properties (such as structural, functional, and spatial information, amino acid conservation, physicochemical variation, residue mobility, and thermodynamic stability) performed at Invitae indicates that this missense variant is not expected to disrupt PMS2 protein function with a negative predictive value of 80%. In summary, the available evidence is currently insufficient to determine the role of this variant in disease. Therefore, it has been classified as a Variant of Uncertain Significance.

Baylor Genetics
Classification: Uncertain significance for Lynch syndrome 4. Last evaluated: 2024-03-14. Review status: criteria provided, single submitter. Criteria: ACMG Guidelines, 2015. Collection method: clinical testing. Allele origin: unknown.

All of Us Research Program, National Institutes of Health
Classification: Uncertain significance for Lynch syndrome. Last evaluated: 2023-09-04. Review status: criteria provided, single submitter. Criteria: ACMG Guidelines, 2015. Collection method: clinical testing. Allele origin: germline. Inheritance: Autosomal dominant inheritance. Observed: 2 variant alleles, 2 heterozygotes.
Comment: This missense variant replaces serine with asparagine at codon 238 of the PMS2 protein. Computational prediction suggests that this variant may not impact protein structure and function (internally defined REVEL score threshold <= 0.5, PMID: 27666373). To our knowledge, functional studies have not been reported for this variant. This variant has not been reported in individuals affected with PMS2-related disorders in the literature. This variant has been identified in 1/226824 chromosomes in the general population by the Genome Aggregation Database (gnomAD). The available evidence is insufficient to determine the role of this variant in disease conclusively. Therefore, this variant is classified as a Variant of Uncertain Significance.

This study involves interpretation of variants in research participants for the purpose of population health screening. Participant phenotype was not available at the time of variant classification. Additional details can be found in publication PMID: 35346344, PMCID: PMC8962531

Color Diagnostics, LLC DBA Color Health
Classification: Uncertain significance for Hereditary cancer-predisposing syndrome. Last evaluated: 2023-08-23. Review status: criteria provided, single submitter. Criteria: ACMG Guidelines, 2015. Collection method: clinical testing. Allele origin: germline.
Comment: This missense variant replaces serine with asparagine at codon 238 of the PMS2 protein. Computational prediction suggests that this variant may not impact protein structure and function (internally defined REVEL score threshold <= 0.5, PMID: 27666373). To our knowledge, functional studies have not been reported for this variant. This variant has not been reported in individuals affected with PMS2-related disorders in the literature. This variant has been identified in 1/226824 chromosomes in the general population by the Genome Aggregation Database (gnomAD). The available evidence is insufficient to determine the role of this variant in disease conclusively. Therefore, this variant is classified as a Variant of Uncertain Significance.

Mendelics
Classification: Likely benign for Lynch syndrome 4. Last evaluated: 2019-05-28. Review status: criteria provided, single submitter. Criteria: Mendelics Assertion Criteria 2017. Collection method: clinical testing. Allele origin: unknown.

Literature cited by the submitters: PubMed 35449176 (cited by Labcorp Genetics (formerly Invitae), Labcorp).